The following is an entry in ClinVar:

NM_003072.5(SMARCA4):c.461T>C (p.Leu154Pro)

Gene: SMARCA4 (SWI/SNF related BAF chromatin remodeling complex subunit ATPase 4; plus strand). Cytogenetic location: 19p13.2.
Variant type: single nucleotide variant.
Coding change: c.461T>C on transcript NM_003072.5 (MANE Select); coding-DNA position 461, T replaced by C.
Protein change: p.Leu154Pro; replaces leucine 154 with proline.
Molecular consequence: missense variant. On other transcripts: non-coding transcript variant (1).
Genome position (GRCh38, 1-based): chr19:10,986,294, T>C. VCF-style: chr19-10986294-T-C. GRCh37 (hg19) VCF-style: chr19-11096970-T-C.
Other names: c.461T>C, p.Leu154Pro (NM_001128844.3, NM_001128845.2, NM_001128846.2 and 4 more transcripts); short protein forms L154P.
Identifiers: ClinVar variation 1000440 (VCV001000440.8), dbSNP rs1236457430, ClinGen allele CA404056025.

ClinVar aggregate classification (germline): Uncertain significance (1 of 4 stars; one submission).

Conditions:
Rhabdoid tumor predisposition syndrome 2 (RTPS2). Identifiers: Orphanet 231108, Orphanet 69077, MedGen C2750074, MONDO:0013224, OMIM 613325.

Allele frequency attached by ClinVar (database versions not stated): gnomAD exomes below 0.00001.
gnomAD v4.1: 2 of 1,613,710 alleles (0.00012%); highest among the groups gnomAD compares: Non-Finnish European, 0.000085%; no homozygotes.

Submission:

Labcorp Genetics (formerly Invitae), Labcorp
Classification: Uncertain significance for Rhabdoid tumor predisposition syndrome 2. Last evaluated: 2022-02-09. Review status: criteria provided, single submitter. Criteria: Invitae Variant Classification Sherloc (09022015). Collection method: clinical testing. Allele origin: germline.
Comment: This variant has not been reported in the literature in individuals affected with SMARCA4-related conditions. ClinVar contains an entry for this variant (Variation ID: 1000440). Algorithms developed to predict the effect of missense changes on protein structure and function are either unavailable or do not agree on the potential impact of this missense change (SIFT: "Deleterious"; PolyPhen-2: "Benign"; Align-GVGD: "Class C45"). In summary, the available evidence is currently insufficient to determine the role of this variant in disease. Therefore, it has been classified as a Variant of Uncertain Significance. This variant is present in population databases (no rsID available, gnomAD 0.0009%). This sequence change replaces leucine, which is neutral and non-polar, with proline, which is neutral and non-polar, at codon 154 of the SMARCA4 protein (p.Leu154Pro).